The following is an entry in ClinVar:

NM_001376.5(DYNC1H1):c.6842C>T (p.Thr2281Ile)

Gene: DYNC1H1 (dynein cytoplasmic 1 heavy chain 1; plus strand). Cytogenetic location: 14q32.31.
Variant type: single nucleotide variant.
Coding change: c.6842C>T on transcript NM_001376.5 (MANE Select); coding-DNA position 6842, C replaced by T.
Protein change: p.Thr2281Ile; replaces threonine 2281 with isoleucine.
Molecular consequence: missense variant.
Genome position (GRCh38, 1-based): chr14:102,012,098, C>T. VCF-style: chr14-102012098-C-T. GRCh37 (hg19) VCF-style: chr14-102478435-C-T.
Other names: short protein forms T2281I.
Identifiers: ClinVar variation 1310447 (VCV001310447.3), dbSNP rs2152579135, ClinGen allele CA391058162.

ClinVar aggregate classification (germline): Uncertain significance (1 of 4 stars; one submission).

Submission:

GeneDx
Classification: Uncertain significance. Last evaluated: 2024-09-23. Review status: criteria provided, single submitter. Criteria: GeneDx Variant Classification Process June 2021. Collection method: clinical testing. Allele origin: germline. Affected: yes.
Comment: Not observed in large population cohorts (gnomAD); In silico analysis, which includes protein predictors and evolutionary conservation, supports a deleterious effect; Has not been previously published as pathogenic or benign to our knowledge; This variant is associated with the following publications: (PMID: 25512093, 25609763, 26100331)